The following is an entry in ClinVar:

ClinVar aggregate classification (germline): Uncertain significance (1 of 4 stars; one submission).

gnomAD v4.1: 3 of 1,613,734 alleles (0.00019%); highest among the groups gnomAD compares: South Asian, 0.0033%; no homozygotes.

Submission:

Labcorp Genetics (formerly Invitae), Labcorp
Classification: Uncertain significance. Last evaluated: 2025-03-30. Review status: criteria provided, single submitter. Criteria: Invitae Variant Classification Sherloc (09022015). Collection method: clinical testing. Allele origin: germline.
Comment: This sequence change replaces proline, which is neutral and non-polar, with histidine, which is basic and polar, at codon 1649 of the CLTC protein (p.Pro1649His). This variant is present in population databases (rs756935113, gnomAD 0.003%). This variant has not been reported in the literature in individuals affected with CLTC-related conditions. Experimental studies and prediction algorithms are not available or were not evaluated, and the functional significance of this variant is currently unknown. In summary, the available evidence is currently insufficient to determine the role of this variant in disease. Therefore, it has been classified as a Variant of Uncertain Significance.

NM_004859.4(CLTC):c.4934C>A (p.Pro1645His)

Gene: CLTC (clathrin heavy chain; plus strand). Cytogenetic location: 17q23.1.
Variant type: single nucleotide variant.
Coding change: c.4934C>A on transcript NM_004859.4 (MANE Select); coding-DNA position 4934, C replaced by A.
Protein change: p.Pro1645His; replaces proline 1645 with histidine.
Molecular consequence: missense variant.
Genome position (GRCh38, 1-based): chr17:59,693,758, C>A. VCF-style: chr17-59693758-C-A. GRCh37 (hg19) VCF-style: chr17-57771119-C-A.
Other names: c.4946C>A, p.Pro1649His (NM_001288653.2); short protein forms P1649H, P1645H.
Identifiers: ClinVar variation 4716308 (VCV004716308.1).